The following is an entry in ClinVar:

NM_004260.4(RECQL4):c.1529T>C (p.Leu510Pro)

Gene: RECQL4 (RecQ like helicase 4; minus strand). Cytogenetic location: 8q24.3.
Variant type: single nucleotide variant.
Coding change: c.1529T>C on transcript NM_004260.4 (MANE Select); coding-DNA position 1529, T replaced by C.
Protein change: p.Leu510Pro; replaces leucine 510 with proline.
Molecular consequence: missense variant.
Genome position (GRCh38, 1-based): chr8:144,515,027, A>G on the plus strand (T>C on the coding strand, the complement: RECQL4 is on the minus strand). VCF-style: chr8-144515027-A-G. GRCh37 (hg19) VCF-style: chr8-145740411-A-G.
Other names: short protein forms L510P.
Identifiers: ClinVar variation 580114 (VCV000580114.4), dbSNP rs1564801649, ClinGen allele CA372684002.

ClinVar aggregate classification (germline): Uncertain significance (1 of 4 stars; one submission).

Conditions:
Baller-Gerold syndrome (BGS). Also called: CRANIOSYNOSTOSIS WITH RADIAL DEFECTS. Identifiers: Orphanet 1225, MedGen C0265308, MONDO:0009039, OMIM 218600.

Submission:

Labcorp Genetics (formerly Invitae), Labcorp
Classification: Uncertain significance for Baller-Gerold syndrome. Last evaluated: 2017-06-07. Review status: criteria provided, single submitter. Criteria: Invitae Variant Classification Sherloc (09022015). Collection method: clinical testing. Allele origin: germline.
Comment: This variant is not present in population databases (ExAC no frequency). This sequence change replaces leucine with proline at codon 510 of the RECQL4 protein (p.Leu510Pro). The leucine residue is highly conserved and there is a moderate physicochemical difference between leucine and proline. This variant has not been reported in the literature in individuals with a RECQL4-related disease. In summary, this variant has uncertain impact on RECQL4 function. The available evidence is currently insufficient to determine its role in disease. Therefore, it has been classified as a Variant of Uncertain Significance. Algorithms developed to predict the effect of missense changes on protein structure and function (SIFT, PolyPhen-2, Align-GVGD) all suggest that this variant is likely to be disruptive, but these predictions have not been confirmed by published functional studies and their clinical significance is uncertain.